The following is an entry in ClinVar:

ClinVar aggregate classification (germline): Uncertain significance. Review status: criteria provided, multiple submitters, no conflicts (2 of 4 stars). 2 submissions from 2 submitters: Uncertain significance (2). Last evaluated 2025-08-14.

Conditions:
Inborn genetic diseases. Identifiers: MedGen C0950123, MeSH D030342.
Congenital myasthenic syndrome 2A. Also called: Myasthenic syndrome, congenital, 2a, slow-channel. Identifiers: Orphanet 590, MedGen C4225374, MONDO:0014581, OMIM 616313.

Allele frequency attached by ClinVar (database versions not stated): ExAC 0.00001; gnomAD exomes 0.00001; TOPMed 0.00001; gnomAD 0.00003.
gnomAD v4.1: 39 of 1,612,834 alleles (0.0024%); highest among the groups gnomAD compares: Non-Finnish European, 0.0031%; no homozygotes.

Submissions (2):

Ambry Genetics
Classification: Uncertain significance for Inborn genetic diseases. Last evaluated: 2025-08-14. Review status: criteria provided, single submitter. Criteria: Ambry Variant Classification Scheme 2023. Collection method: clinical testing. Allele origin: germline.

Labcorp Genetics (formerly Invitae), Labcorp
Classification: Uncertain significance for Congenital myasthenic syndrome 2A. Last evaluated: 2024-09-06. Review status: criteria provided, single submitter. Criteria: Invitae Variant Classification Sherloc (09022015). Collection method: clinical testing. Allele origin: germline.
Comment: This sequence change replaces valine, which is neutral and non-polar, with isoleucine, which is neutral and non-polar, at codon 21 of the CHRNB1 protein (p.Val21Ile). The frequency data for this variant in the population databases is considered unreliable, as metrics indicate poor data quality at this position in the gnomAD database. This variant has not been reported in the literature in individuals affected with CHRNB1-related conditions. ClinVar contains an entry for this variant (Variation ID: 954440). An algorithm developed to predict the effect of missense changes on protein structure and function (PolyPhen-2) suggests that this variant is likely to be tolerated. In summary, the available evidence is currently insufficient to determine the role of this variant in disease. Therefore, it has been classified as a Variant of Uncertain Significance.

NM_000747.3(CHRNB1):c.61G>A (p.Val21Ile)

Gene: CHRNB1 (cholinergic receptor nicotinic beta 1 subunit; plus strand). Cytogenetic location: 17p13.1.
Variant type: single nucleotide variant.
Coding change: c.61G>A on transcript NM_000747.3 (MANE Select); coding-DNA position 61, G replaced by A.
Protein change: p.Val21Ile; replaces valine 21 with isoleucine.
Molecular consequence: missense variant.
Genome position (GRCh38, 1-based): chr17:7,445,272, G>A. VCF-style: chr17-7445272-G-A. GRCh37 (hg19) VCF-style: chr17-7348591-G-A.
Other names: short protein forms V21I.
Identifiers: ClinVar variation 954440 (VCV000954440.10), dbSNP rs775150297, ClinGen allele CA8347624.
Genomic context (GRCh38, chr17:7,445,272, plus strand): 5'-GACGGGGCCAGCGGTCGTGGCCAGGCACCAGGGCTGCACTTATTCTCTCCTCCCCCAGGC[G>A]TCCGCGGCTCGGAGGCGGAGGGTCGACTCCGGGAGAAACTTTTCTCTGGCTATGATAGCT-3'
Protein context (NP_000738.2, residues 11-31): GALGAPLAPG[Val21Ile]RGSEAEGRLR